The following is an entry in ClinVar:

NM_001330588.2(TPP2):c.3579+8T>G

Gene: TPP2 (tripeptidyl peptidase 2; plus strand). Cytogenetic location: 13q33.1.
Variant type: single nucleotide variant.
Coding change: c.3579+8T>G on transcript NM_001330588.2 (MANE Select); 8 bases into the intron after coding-DNA position 3579, T replaced by G.
Molecular consequence: intron variant.
Genome position (GRCh38, 1-based): chr13:102,674,498, T>G. VCF-style: chr13-102674498-T-G. GRCh37 (hg19) VCF-style: chr13-103326848-T-G.
Other names: c.3666+8T>G (NM_001367947.1); c.3540+8T>G (NM_003291.4, NM_003291.3); c.3579+8T>G (LRG_1341t1).
Identifiers: ClinVar variation 478055 (VCV000478055.15), dbSNP rs200038215, ClinGen allele CA7038301.

ClinVar aggregate classification (germline): Likely benign. Review status: criteria provided, multiple submitters, no conflicts (2 of 4 stars). 3 submissions from 3 submitters: Likely benign (2). 1 of the submissions does not count toward it. Last evaluated 2026-02-02.

Conditions:
Evans syndrome, immunodeficiency, and premature immunosenescence associated with tripeptidyl-peptidase II deficiency. Identifiers: MedGen CN231723. Disease mechanism: loss of function.
TPP2-related disorder. Also called: TPP2-related condition.

Allele frequency attached by ClinVar (database versions not stated): gnomAD exomes 0.00006 and 0.00016; ExAC 0.00018; 1000 Genomes Project 0.00060; 1000 Genomes Project 30x 0.00062; ESP Exome Variant Server 0.00069; TOPMed 0.00074; gnomAD 0.00076 and 0.00083.
gnomAD v4.1: 210 of 1,613,274 alleles (0.013%); highest among the groups gnomAD compares: African/African-American, 0.26%; no homozygotes.

Submissions (3):

Labcorp Genetics (formerly Invitae), Labcorp
Classification: Likely benign for Evans syndrome, immunodeficiency, and premature immunosenescence associated with tripeptidyl-peptidase II deficiency. Last evaluated: 2026-02-02. Review status: criteria provided, single submitter. Criteria: Invitae Variant Classification Sherloc (09022015). Collection method: clinical testing. Allele origin: germline.

Blueprint Genetics
Classification: Likely benign. Last evaluated: 2024-09-23. Review status: criteria provided, single submitter. Criteria: ACMG Guidelines, 2015. Collection method: clinical testing. Allele origin: germline.

PreventionGenetics, part of Exact Sciences
Classification: Likely benign for TPP2-related condition. Last evaluated: 2019-04-25. Review status: no assertion criteria provided. Collection method: clinical testing. Allele origin: germline. Not counted in ClinVar's aggregate classification.
Comment: This variant is classified as likely benign based on ACMG/AMP sequence variant interpretation guidelines (Richards et al. 2015 PMID: 25741868, with internal and published modifications).